The following is an entry in ClinVar:

NM_000138.5(FBN1):c.5887del (p.Glu1963fs)

Gene: FBN1 (fibrillin 1; minus strand). Cytogenetic location: 15q21.1.
Variant type: Deletion.
Coding change: c.5887del on transcript NM_000138.5 (MANE Select); coding-DNA position 5887, one base deleted (G; older notation c.5887delG).
Protein change: p.Glu1963fs; shifts the reading frame from glutamic acid 1963.
Molecular consequence: frameshift variant.
Genome position (GRCh38, 1-based): chr15:48,445,406, C deleted on the plus strand (G on the coding strand, the reverse complement: FBN1 is on the minus strand). VCF-style (leftmost placement, unchanged base first): chr15-48445405-TC-T. GRCh37 (hg19) VCF-style: chr15-48737602-TC-T.
Other names: c.5887del, p.Glu1963fs (NM_001406716.1); short protein forms E1963fs.
Identifiers: ClinVar variation 3755356 (VCV003755356.2).

ClinVar aggregate classification (germline): Pathogenic (1 of 4 stars; one submission).

Conditions:
Marfan syndrome (MFS). Also called: MARFAN SYNDROME, TYPE I; Marfan syndrome type 1; Marfan's syndrome; Marfan syndrome, classic; FBN1-Related Marfan Syndrome. Identifiers: Orphanet 284963, Orphanet 558, MedGen C0024796, MONDO:0007947, OMIM 154700.
Familial thoracic aortic aneurysm and aortic dissection (TAAD). Also called: Thoracic aortic aneurysms and dissections. Identifiers: Orphanet 91387, MedGen C4707243, MONDO:0019625.

Submission:

Labcorp Genetics (formerly Invitae), Labcorp
Classification: Pathogenic for Marfan syndrome; Familial thoracic aortic aneurysm and aortic dissection. Last evaluated: 2024-03-16. Review status: criteria provided, single submitter. Criteria: Invitae Variant Classification Sherloc (09022015). Collection method: clinical testing. Allele origin: germline.
Comment: This sequence change creates a premature translational stop signal (p.Glu1963Argfs*17) in the FBN1 gene. It is expected to result in an absent or disrupted protein product. Loss-of-function variants in FBN1 are known to be pathogenic (PMID: 17657824, 19293843). This variant is not present in population databases (gnomAD no frequency). This variant has not been reported in the literature in individuals affected with FBN1-related conditions. For these reasons, this variant has been classified as Pathogenic.

Literature cited by the submitters: PubMed 17657824; PubMed 19293843.